The following is an entry in ClinVar:

ClinVar aggregate classification (germline): Pathogenic (1 of 4 stars; one submission).

Submission:

Labcorp Genetics (formerly Invitae), Labcorp
Classification: Pathogenic. Last evaluated: 2023-08-29. Review status: criteria provided, single submitter. Criteria: Invitae Variant Classification Sherloc (09022015). Collection method: clinical testing. Allele origin: germline.
Comment: This sequence change creates a premature translational stop signal (p.Arg1379Glufs*76) in the COL17A1 gene. It is expected to result in an absent or disrupted protein product. Loss-of-function variants in COL17A1 are known to be pathogenic (PMID: 16473856, 17344927, 20301304, 21357940, 24319098). This variant is not present in population databases (gnomAD no frequency). This variant has not been reported in the literature in individuals affected with COL17A1-related conditions. For these reasons, this variant has been classified as Pathogenic.

Literature cited by the submitters: PubMed 16473856; PubMed 17344927; PubMed 20301304; PubMed 21357940; PubMed 24319098.

NM_000494.4(COL17A1):c.4133dup (p.Arg1379fs)

Gene: COL17A1 (collagen type XVII alpha 1 chain; minus strand). Cytogenetic location: 10q25.1.
Variant type: Duplication.
Coding change: c.4133dup on transcript NM_000494.4 (MANE Select); coding-DNA position 4133, one base duplicated (T; older notation c.4133dupT).
Protein change: p.Arg1379fs; shifts the reading frame from arginine 1379.
Molecular consequence: frameshift variant.
Genome position (GRCh38, 1-based): chr10:104,033,968, A duplicated on the plus strand (T on the coding strand, the reverse complement: COL17A1 is on the minus strand). VCF-style (leftmost placement, unchanged base first): chr10-104033967-C-CA. GRCh37 (hg19) VCF-style: chr10-105793725-C-CA.
Other names: short protein forms R1379fs.
Identifiers: ClinVar variation 2755998 (VCV002755998.3), dbSNP rs2493272751, ClinGen allele CA2697558752.